The following is an entry in ClinVar:

NM_003055.3(SLC18A3):c.1436G>A (p.Arg479His)

Genes: CHAT (choline O-acetyltransferase; plus strand), SLC18A3 (solute carrier family 18 member A3; plus strand). Cytogenetic location: 10q11.23.
Variant type: single nucleotide variant.
Coding change: c.1436G>A on transcript NM_003055.3 (MANE Select); coding-DNA position 1436, G replaced by A.
Protein change: p.Arg479His; replaces arginine 479 with histidine.
Molecular consequence: missense variant. On other transcripts: intron variant (1).
Genome position (GRCh38, 1-based): chr10:49,612,176, G>A. VCF-style: chr10-49612176-G-A. GRCh37 (hg19) VCF-style: chr10-50820222-G-A.
Other names: c.-69+2977G>A (NM_020984.4); short protein forms R479H.
Identifiers: ClinVar variation 3618932 (VCV003618932.2).
Genomic context (GRCh38, chr10:49,612,176, plus strand): 5'-ACCTGCTCTATGCTCCCGTCTTGCTGCTGCTCCGCAACGTGGGCCTCCTGACGCGCTCCC[G>A]TTCCGAGCGCGATGTGCTGCTTGATGAGCCACCGCAAGGTCTGTACGATGCGGTGCGCCT-3'
Protein context (NP_003046.2, residues 469-489): LRNVGLLTRS[Arg479His]SERDVLLDEP

ClinVar aggregate classification (germline): Uncertain significance (1 of 4 stars; one submission).

gnomAD v4.1: 3 of 1,610,050 alleles (0.00019%); highest among the groups gnomAD compares: African/African-American, 0.0013%; no homozygotes.

Submission:

Labcorp Genetics (formerly Invitae), Labcorp
Classification: Uncertain significance. Last evaluated: 2024-07-23. Review status: criteria provided, single submitter. Criteria: Invitae Variant Classification Sherloc (09022015). Collection method: clinical testing. Allele origin: germline.
Comment: This sequence change replaces arginine, which is basic and polar, with histidine, which is basic and polar, at codon 479 of the SLC18A3 protein (p.Arg479His). The frequency data for this variant in the population databases is considered unreliable, as metrics indicate poor data quality at this position in the gnomAD database. This variant has not been reported in the literature in individuals affected with SLC18A3-related conditions. An algorithm developed to predict the effect of missense changes on protein structure and function (PolyPhen-2) suggests that this variant is likely to be tolerated. In summary, the available evidence is currently insufficient to determine the role of this variant in disease. Therefore, it has been classified as a Variant of Uncertain Significance.